The following is an entry in ClinVar:

ClinVar aggregate classification (germline): Uncertain significance (1 of 4 stars; one submission).

Allele frequency attached by ClinVar (database versions not stated): gnomAD exomes 0.00002 and 0.00014; gnomAD 0.00003 and 0.00006; TOPMed 0.00005; ExAC 0.00009; 1000 Genomes Project 0.00060; 1000 Genomes Project 30x 0.00109.
gnomAD v4.1: 39 of 1,613,414 alleles (0.0024%); highest among the groups gnomAD compares: East Asian, 0.083%; no homozygotes.

Submission:

Labcorp Genetics (formerly Invitae), Labcorp
Classification: Uncertain significance. Last evaluated: 2024-01-31. Review status: criteria provided, single submitter. Criteria: Invitae Variant Classification Sherloc (09022015). Collection method: clinical testing. Allele origin: germline.
Comment: This sequence change replaces threonine, which is neutral and polar, with alanine, which is neutral and non-polar, at codon 433 of the SLCO5A1 protein (p.Thr433Ala). This variant is present in population databases (rs190570613, gnomAD 0.2%), and has an allele count higher than expected for a pathogenic variant. This variant has not been reported in the literature in individuals affected with SLCO5A1-related conditions. ClinVar contains an entry for this variant (Variation ID: 1480540). An algorithm developed to predict the effect of missense changes on protein structure and function (PolyPhen-2) suggests that this variant is likely to be tolerated. In summary, the available evidence is currently insufficient to determine the role of this variant in disease. Therefore, it has been classified as a Variant of Uncertain Significance.

NM_030958.3(SLCO5A1):c.1297A>G (p.Thr433Ala)

Gene: SLCO5A1 (solute carrier organic anion transporter family member 5A1; minus strand). Cytogenetic location: 8q13.3.
Variant type: single nucleotide variant.
Coding change: c.1297A>G on transcript NM_030958.3 (MANE Select); coding-DNA position 1297, A replaced by G.
Protein change: p.Thr433Ala; replaces threonine 433 with alanine.
Molecular consequence: missense variant. On other transcripts: intron variant (1).
Genome position (GRCh38, 1-based): chr8:69,738,166, T>C on the plus strand (A>G on the coding strand, the complement: SLCO5A1 is on the minus strand). VCF-style: chr8-69738166-T-C. GRCh37 (hg19) VCF-style: chr8-70650401-T-C.
Other names: c.1297A>G, p.Thr433Ala (NM_001146008.2); c.1258+17258A>G (NM_001146009.1); short protein forms T433A.
Identifiers: ClinVar variation 1480540 (VCV001480540.8), dbSNP rs190570613, ClinGen allele CA4776606.
Genomic context (GRCh38, chr8:69,738,166, plus strand): 5'-TAATGAAAGCAGTTACAATGGCACTCTCAGCTGTGTATGACAAACTCACAAAAAGGAATG[T>C]CATGTTGCTTAAGATCCTGACAGCTGCTCTTGGTAGGTCTACAAAATGACAAAAATGACA-3'
Protein context (NP_112220.2, residues 423-443): RAAVRILSNM[Thr433Ala]FLFVSLSYTA